The following is an entry in ClinVar:

NM_001354712.2(THRB):c.1373T>C (p.Val458Ala)

Gene: THRB (thyroid hormone receptor beta; minus strand). Cytogenetic location: 3p24.2.
Variant type: single nucleotide variant.
Coding change: c.1373T>C on transcript NM_001354712.2 (MANE Select); coding-DNA position 1373, T replaced by C.
Protein change: p.Val458Ala; replaces valine 458 with alanine.
Molecular consequence: missense variant.
Genome position (GRCh38, 1-based): chr3:24,122,897, A>G on the plus strand (T>C on the coding strand, the complement: THRB is on the minus strand). VCF-style: chr3-24122897-A-G. GRCh37 (hg19) VCF-style: chr3-24164388-A-G.
Other names: c.1373T>C, p.Val458Ala (NM_000461.5, NM_001128176.3, NM_001128177.2 and 6 more transcripts); c.1280T>C, p.Val427Ala (NM_001354714.2, NM_001354715.2); short protein forms V458A, V427A.
Identifiers: ClinVar variation 12564 (VCV000012564.10), dbSNP rs121918704, ClinGen allele CA122505.

ClinVar aggregate classification (germline): Likely pathogenic. Review status: criteria provided, multiple submitters, no conflicts (2 of 4 stars). 6 submissions from 6 submitters: Likely pathogenic (5). 1 of the submissions does not count toward it. Last evaluated 2024-12-30.

Conditions:
THRB-related disorder. Also called: THRB-related condition.
Thyroid hormone resistance, generalized, autosomal dominant (GRTHD). Also called: HYPERTHYROXINEMIA, FAMILIAL EUTHYROID, SECONDARY TO PITUITARY AND PERIPHERAL RESISTANCE TO THYROID HORMONES. Identifiers: MedGen C2937288, MONDO:0008569, OMIM 188570.

Submissions (6):

Victorian Clinical Genetics Services, Murdoch Childrens Research Institute
Classification: Likely pathogenic for Thyroid hormone resistance, generalized, autosomal dominant. Last evaluated: 2024-12-30. Review status: criteria provided, single submitter. Criteria: ACMG Guidelines, 2015. Collection method: clinical testing. Allele origin: germline. Affected: yes.
Comment: This variant is classified as Likely pathogenic. Evidence in support of pathogenic classification: Variant is absent from gnomAD (v2, v3 and v4); This variant has strong previous evidence of pathogenicity in unrelated individuals. This variant has been classified as likely pathogenic by clinical laboratories in ClinVar. It was also reported in affected and unrelated individuals in the literature (PMIDs: 8875752, 17040361, 20237409, 26041374; PMCID: PMC11454767); Missense variant consistently predicted to be damaging by in silico tool or highly conserved with a major amino acid change; Strong phenotype match for this individual. Additional information: Variant is predicted to result in a missense amino acid change from valine to alanine; This variant is heterozygous; This gene is associated with both recessive and dominant disease (OMIM). Autosomal dominant disease is due to the THRB mutant protein exerting a dominant negative effect on the wild type protein while recessive disease has been described in association with a THRB gene deletion where a protein is not produced (PMID: 30976996); No published functional evidence has been identified for this variant; Other missense variant(s) comparable to the one identified in this case have inconclusive previous evidence for pathogenicity. Changes to glycine and glutamic acid have been reported in individuals with thyroid resistance, with the change to glycine classified as a VUS in ClinVar (PMID: 15598685); Variant is not located in an established domain, motif, hotspot or informative constraint region; Dominant negative is a known mechanism of disease in this gene and is associated with thyroid hormone resistance (MIM#188570), thyroid hormone resistance, autosomal recessive (MIM#274300), and thyroid hormone resistance, selective pituitary (MIM#145650) (OMIM; PMID: 30976996); Variants in this gene are known to have variable expressivity. Clinical variability and heterogeneity are well documented in affected individuals (PMID: 30976996); Inheritance information for this variant is not currently available in this individual.

GeneDx
Classification: Likely pathogenic. Last evaluated: 2023-09-18. Review status: criteria provided, single submitter. Criteria: GeneDx Variant Classification Process June 2021. Collection method: clinical testing. Allele origin: germline. Affected: yes.
Comment: Not observed at significant frequency in large population cohorts (gnomAD); In silico analysis supports that this missense variant does not alter protein structure/function; This variant is associated with the following publications: (PMID: 8875752, 27537566, 30976996, 35738449, 15598685, 20237409, 26041374)

Clinical Molecular Genetics Laboratory, Johns Hopkins All Children's Hospital
Classification: Likely pathogenic for Thyroid hormone resistance, generalized, autosomal dominant. Last evaluated: 2019-10-07. Review status: criteria provided, single submitter. Criteria: ACMG Guidelines, 2015. Collection method: clinical testing. Allele origin: germline. Inheritance: Autosomal dominant inheritance. Affected: yes. Observed: 1 heterozygote.

Quest Diagnostics Nichols Institute San Juan Capistrano
Classification: Likely pathogenic. Last evaluated: 2019-02-25. Review status: criteria provided, single submitter. Criteria: Quest Diagnostics criteria. Collection method: clinical testing. Allele origin: germline.
Comment: Not found in the gnomAD exomes dataset, and the data is high quality (0/251490 chr). Found in at least one symptomatic patient. Predicted to have a damaging effect on the protein. Located in potentially important domain of the protein. Two other pathogenic or likely pathogenic variants affect the same amino acid. Assessment of experimental evidence suggests this variant results in abnormal protein function.

Blueprint Genetics
Classification: Likely pathogenic for THRB-related disorders. Last evaluated: 2018-10-01. Review status: criteria provided, single submitter. Criteria: ACMG Guidelines, 2015. Collection method: clinical testing. Allele origin: germline. Affected: yes. Observed: 1 variant allele.

OMIM
Classification: Pathogenic for THYROID HORMONE RESISTANCE, GENERALIZED, AUTOSOMAL DOMINANT. Last evaluated: 1996-08-01. Review status: no assertion criteria provided. Collection method: literature only. Allele origin: germline. Not counted in ClinVar's aggregate classification.

Literature cited by the submitters: PubMed 8875752 (cited by 3 submitters); PubMed 30976996 (cited by Victorian Clinical Genetics Services, Murdoch Childrens Research Institute); PubMed 20237409 (cited by Victorian Clinical Genetics Services, Murdoch Childrens Research Institute); PubMed 17040361 (cited by Victorian Clinical Genetics Services, Murdoch Childrens Research Institute); PubMed 15598685 (cited by Victorian Clinical Genetics Services, Murdoch Childrens Research Institute and Quest Diagnostics Nichols Institute San Juan Capistrano); PubMed 26041374 (cited by Victorian Clinical Genetics Services, Murdoch Childrens Research Institute).